The following is an entry in ClinVar:

NM_000135.4(FANCA):c.4260+6G>C

Genes: ZNF276 (zinc finger protein 276; plus strand), FANCA (FA complementation group A; minus strand). Cytogenetic location: 16q24.3.
Variant type: single nucleotide variant.
Coding change: c.4260+6G>C on transcript NM_000135.4 (MANE Select); 6 bases into the intron after coding-DNA position 4260, G replaced by C.
Molecular consequence: intron variant. On other transcripts: 3 prime UTR variant (2), non-coding transcript variant (4).
Genome position (GRCh38, 1-based): chr16:89,738,876, C>G on the plus strand (G>C on the coding strand, the complement: FANCA is on the minus strand). VCF-style: chr16-89738876-C-G. GRCh37 (hg19) VCF-style: chr16-89805284-C-G.
Other names: c.*630C>G (NM_001113525.2, NM_152287.4); c.4264+6G>C (NM_001286167.3).
Identifiers: ClinVar variation 579204 (VCV000579204.10), dbSNP rs374793201, ClinGen allele CA8250663.

ClinVar aggregate classification (germline): Uncertain significance. Review status: criteria provided, multiple submitters, no conflicts (2 of 4 stars). 3 submissions from 3 submitters: Uncertain significance (2). 1 of the submissions does not count toward it. Last evaluated 2024-05-28.

Conditions:
Fanconi anemia complementation group A (FANCA). Also called: FANCA-Related Fanconi Anemia; Fanconi anemia, group A. Identifiers: Orphanet 84, MedGen C3469521, MONDO:0009215, OMIM 227650.
Fanconi anemia (FA). Also called: Fanconi's anemia. Identifiers: Orphanet 84, MedGen C0015625, MeSH D005199, MONDO:0019391.

Allele frequency attached by ClinVar (database versions not stated): TOPMed 0.00002; ESP Exome Variant Server 0.00008.
gnomAD v4.1: 114 of 1,614,126 alleles (0.0071%); highest among the groups gnomAD compares: Non-Finnish European, 0.0095%; no homozygotes.

Submissions (3):

Fulgent Genetics
Classification: Uncertain significance for Fanconi anemia complementation group A. Last evaluated: 2024-05-28. Review status: criteria provided, single submitter. Criteria: ACMG Guidelines, 2015. Collection method: clinical testing. Allele origin: germline.

Labcorp Genetics (formerly Invitae), Labcorp
Classification: Uncertain significance for Fanconi anemia. Last evaluated: 2022-10-05. Review status: criteria provided, single submitter. Criteria: Invitae Variant Classification Sherloc (09022015). Collection method: clinical testing. Allele origin: germline.
Comment: This sequence change falls in intron 42 of the FANCA gene. It does not directly change the encoded amino acid sequence of the FANCA protein. It affects a nucleotide within the consensus splice site. This variant is present in population databases (rs374793201, gnomAD 0.005%). This variant has not been reported in the literature in individuals affected with FANCA-related conditions. ClinVar contains an entry for this variant (Variation ID: 579204). Variants that disrupt the consensus splice site are a relatively common cause of aberrant splicing (PMID: 17576681, 9536098). Algorithms developed to predict the effect of sequence changes on RNA splicing suggest that this variant is not likely to affect RNA splicing. In summary, the available evidence is currently insufficient to determine the role of this variant in disease. Therefore, it has been classified as a Variant of Uncertain Significance.

Natera, Inc.
Classification: Uncertain significance for Fanconi anemia. Last evaluated: 2019-11-11. Review status: no assertion criteria provided. Collection method: clinical testing. Allele origin: germline. Not counted in ClinVar's aggregate classification.

Literature cited by the submitters: PubMed 17576681 (cited by Labcorp Genetics (formerly Invitae), Labcorp); PubMed 9536098 (cited by Labcorp Genetics (formerly Invitae), Labcorp).